The following is an entry in ClinVar:

ClinVar aggregate classification (germline): Uncertain significance (1 of 4 stars; one submission).

Conditions:
Mitochondrial DNA depletion syndrome 13. Also called: FBXL4-Related Encephalomyopathic Mitochondrial DNA Depletion Syndrome; Mitochondrial DNA depletion syndrome 13 (encephalomyopathic type). Identifiers: Orphanet 369897, MedGen C3809592, MONDO:0014198, OMIM 615471.

Allele frequency attached by ClinVar (database versions not stated): gnomAD 0.00005 and 0.00004; gnomAD exomes below 0.00001 and 0.00002; ExAC 0.00002; TOPMed 0.00004; ESP Exome Variant Server 0.00015.
gnomAD v4.1: 7 of 1,613,988 alleles (0.00043%); highest among the groups gnomAD compares: African/African-American, 0.0093%; no homozygotes.

Submission:

Wong Mito Lab, Molecular and Human Genetics, Baylor College of Medicine
Classification: Uncertain significance for Mitochondrial DNA depletion syndrome 13. Last evaluated: 2017-08-10. Review status: criteria provided, single submitter. Criteria: ACMG Guidelines, 2015. Collection method: reference population. Allele origin: germline.
Comment: The NM_012160.4:c.1681T>A (NP_036292.2:p.Leu561Ile) [GRCH38: NC_000006.12:g.98875436A>T] variant in FBXL4 gene is interpretated to be a Uncertain Significance - Insufficient Evidence based on ACMG guidelines (PMID: 25741868). This variant meets one or more of the following evidence codes reported in the ACMG-guideline. PM2:This variant is absent in key population databases. PP3:Computational evidence/predictors indicate the variant has deleterious effect on FBXL4 structure, function, or protein-protein interaction. Based on this evidence code ClinGen Pathogenicity Calculator (PMID:28081714) suggested that the variant is Uncertain Significance - Insufficient Evidence.

NM_001278716.2(FBXL4):c.1681T>A (p.Leu561Ile)

Gene: FBXL4 (F-box and leucine rich repeat protein 4; minus strand). Cytogenetic location: 6q16.1.
Variant type: single nucleotide variant.
Coding change: c.1681T>A on transcript NM_001278716.2 (MANE Select); coding-DNA position 1681, T replaced by A.
Protein change: p.Leu561Ile; replaces leucine 561 with isoleucine.
Molecular consequence: missense variant. On other transcripts: non-coding transcript variant (1).
Genome position (GRCh38, 1-based): chr6:98,875,436, A>T on the plus strand (T>A on the coding strand, the complement: FBXL4 is on the minus strand). VCF-style: chr6-98875436-A-T. GRCh37 (hg19) VCF-style: chr6-99323312-A-T.
Other names: c.1681T>A, p.Leu561Ile (NM_012160.5); short protein forms L561I.
Identifiers: ClinVar variation 437786 (VCV000437786.1), dbSNP rs143428179, ClinGen allele CA3933406.